The following is an entry in ClinVar:

NM_004415.4(DSP):c.8482G>T (p.Gly2828Cys)

Gene: DSP (desmoplakin; plus strand). Cytogenetic location: 6p24.3.
Variant type: single nucleotide variant.
Coding change: c.8482G>T on transcript NM_004415.4 (MANE Select); coding-DNA position 8482, G replaced by T.
Protein change: p.Gly2828Cys; replaces glycine 2828 with cysteine.
Molecular consequence: missense variant.
Genome position (GRCh38, 1-based): chr6:7,585,744, G>T. VCF-style: chr6-7585744-G-T. GRCh37 (hg19) VCF-style: chr6-7585977-G-T.
Other names: c.6685G>T, p.Gly2229Cys (NM_001008844.3); c.7153G>T, p.Gly2385Cys (NM_001319034.2); short protein forms G2385C, G2229C, G2828C.
Identifiers: ClinVar variation 2775386 (VCV002775386.2), dbSNP rs369682599, ClinGen allele CA362695236.

ClinVar aggregate classification (germline): Uncertain significance (1 of 4 stars; one submission).

Conditions:
Cardiomyopathy (CMYO). Also called: Cardiomyopathies. Identifiers: Orphanet 167848, MedGen C0878544, MONDO:0004994, HP:0001638. Inheritance: Various modes of inheritance.

Submission:

Color Diagnostics, LLC DBA Color Health
Classification: Uncertain significance for Cardiomyopathy. Last evaluated: 2022-02-28. Review status: criteria provided, single submitter. Criteria: ACMG Guidelines, 2015. Collection method: clinical testing. Allele origin: germline.
Comment: This missense variant replaces glycine with cysteine at codon 2828 of the DSP protein. Computational prediction suggests that this variant may not impact protein structure and function (internally defined REVEL score threshold <= 0.5, PMID: 27666373). To our knowledge, functional studies have not been reported for this variant. This variant has not been reported in individuals affected with cardiovascular disorders in the literature. This variant has not been identified in the general population by the Genome Aggregation Database (gnomAD). The available evidence is insufficient to determine the role of this variant in disease conclusively. Therefore, this variant is classified as a Variant of Uncertain Significance.